The following is an entry in ClinVar:

NM_013261.5(PPARGC1A):c.1425C>T (p.Asp475=)

Gene: PPARGC1A (PPARG coactivator 1 alpha; minus strand). Cytogenetic location: 4p15.2.
Variant type: single nucleotide variant.
Coding change: c.1425C>T on transcript NM_013261.5 (MANE Select); coding-DNA position 1425, C replaced by T.
Protein change: p.Asp475=; no amino-acid change (aspartic acid 475 retained).
Molecular consequence: synonymous variant. On other transcripts: non-coding transcript variant (7).
Genome position (GRCh38, 1-based): chr4:23,814,058, G>A on the plus strand (C>T on the coding strand, the complement: PPARGC1A is on the minus strand). VCF-style: chr4-23814058-G-A. GRCh37 (hg19) VCF-style: chr4-23815681-G-A.
Other names: c.1440C>T, p.Asp480= (NM_001330751.2, NM_001354825.2, NM_001354827.2); c.1389C>T, p.Asp463= (NM_001330752.2); c.1044C>T, p.Asp348= (NM_001330753.2, NM_001354826.2).
Identifiers: ClinVar variation 3037609 (VCV003037609.2), dbSNP rs17574213, ClinGen allele CA2875260.
Genomic context (GRCh38, chr4:23,814,058, plus strand): 5'-GGAGAATTGTTCATTACTGAAATCACTGTCCCTCAGTTCACCGGTCTTGTCTGCTTCGTC[G>A]TCAAAAACAGCTTGACTGGGATGACCGAAGTGCTTGTTCAGCTCGGCTCGGATTTCCTGG-3'
Protein context (NP_037393.1, residues 465-485): HFGHPSQAVF[Asp475=]DEADKTGELR

ClinVar aggregate classification (germline): Benign (0 of 4 stars; one submission).

Conditions:
PPARGC1A-related disorder. Also called: PPARGC1A-related condition.

Allele frequency attached by ClinVar (database versions not stated): 1000 Genomes Project 0.02336; 1000 Genomes Project 30x 0.02514; TOPMed 0.04939; gnomAD 0.05090; ExAC 0.04858; ESP Exome Variant Server 0.05521; gnomAD exomes 0.06612.
gnomAD v4.1: 103,831 of 1,613,884 alleles (6.4%); highest among the groups gnomAD compares: Non-Finnish European, 7.4%; 3,906 homozygotes.

Submission:

PreventionGenetics, part of Exact Sciences
Classification: Benign for PPARGC1A-related condition. Last evaluated: 2019-12-03. Review status: no assertion criteria provided. Collection method: clinical testing. Allele origin: germline.
Comment: This variant is classified as benign based on ACMG/AMP sequence variant interpretation guidelines (Richards et al. 2015 PMID: 25741868, with internal and published modifications).